The following is an entry in ClinVar:

NM_001267550.2(TTN):c.70875G>A (p.Lys23625=)

Genes: TTN (titin; minus strand), TTN-AS1 (TTN antisense RNA 1; plus strand). Cytogenetic location: 2q31.2.
Variant type: single nucleotide variant.
Coding change: c.70875G>A on transcript NM_001267550.2 (MANE Select); coding-DNA position 70875, G replaced by A.
Protein change: p.Lys23625=; no amino-acid change (lysine 23625 retained).
Molecular consequence: synonymous variant.
Genome position (GRCh38, 1-based): chr2:178,575,257, C>T on the plus strand (G>A on the coding strand, the complement: TTN is on the minus strand). VCF-style: chr2-178575257-C-T. GRCh37 (hg19) VCF-style: chr2-179439984-C-T.
Other names: c.65952G>A, p.Lys21984= (NM_001256850.1); c.43680G>A, p.Lys14560= (NM_003319.4); c.63171G>A, p.Lys21057= (NM_133378.4); c.44055G>A, p.Lys14685= (NM_133432.3); c.44256G>A, p.Lys14752= (NM_133437.4).
Identifiers: ClinVar variation 1986275 (VCV001986275.5), dbSNP rs776288102, ClinGen allele CA1990709.

ClinVar aggregate classification (germline): Likely benign. Review status: criteria provided, multiple submitters, no conflicts (2 of 4 stars). 2 submissions from 2 submitters: Likely benign (2). Last evaluated 2025-10-28.

Conditions:
Dilated cardiomyopathy 1G (CMD1G). Identifiers: Orphanet 154, MedGen C1858763, MONDO:0011400, OMIM 604145.
Autosomal recessive limb-girdle muscular dystrophy type 2J (LGMDR10). Also called: Limb-girdle muscular dystrophy, type 2J; MUSCULAR DYSTROPHY, LIMB-GIRDLE, AUTOSOMAL RECESSIVE 10. Identifiers: Orphanet 140922, MedGen C1837342, MONDO:0012127, OMIM 608807.
TTN-related disorder. Also called: TTN-related disorders; TTN-related condition; TTN-related disease.

Allele frequency attached by ClinVar (database versions not stated): gnomAD exomes below 0.00001; TOPMed below 0.00001; ExAC 0.00001.
gnomAD v4.1: 2 of 1,613,304 alleles (0.00012%); highest among the groups gnomAD compares: Non-Finnish European, 0.000085%; no homozygotes.

Submissions (2):

Labcorp Genetics (formerly Invitae), Labcorp
Classification: Likely benign for Dilated cardiomyopathy 1G; Autosomal recessive limb-girdle muscular dystrophy type 2J. Last evaluated: 2025-10-28. Review status: criteria provided, single submitter. Criteria: Invitae Variant Classification Sherloc (09022015). Collection method: clinical testing. Allele origin: germline.

PreventionGenetics, part of Exact Sciences
Classification: Likely benign for TTN-related condition. Last evaluated: 2025-05-12. Review status: criteria provided, single submitter. Criteria: ACMG Guidelines, 2015. Collection method: clinical testing. Allele origin: germline.
Comment: This variant is classified as likely benign based on ACMG/AMP sequence variant interpretation guidelines (Richards et al. 2015 PMID: 25741868, with internal and published modifications).